The following is an entry in ClinVar:

ClinVar aggregate classification (germline): Uncertain significance (1 of 4 stars; one submission).

Conditions:
Ehlers-Danlos syndrome, classic type, 1 (EDSCL1). Also called: EDS I; Ehlers-Danlos syndrome, type 1; EHLERS-DANLOS SYNDROME, GRAVIS TYPE; EHLERS-DANLOS SYNDROME, SEVERE CLASSIC TYPE; Ehlers-Danlos Syndrome, Classic Type, COL5A1-Related. Identifiers: MedGen C0268335, MONDO:0019567, OMIM 130000.

Submission:

Labcorp Genetics (formerly Invitae), Labcorp
Classification: Uncertain significance for Ehlers-Danlos syndrome, classic type, 1. Last evaluated: 2022-08-21. Review status: criteria provided, single submitter. Criteria: Invitae Variant Classification Sherloc (09022015). Collection method: clinical testing. Allele origin: germline.
Comment: This variant has not been reported in the literature in individuals affected with COL5A2-related conditions. This variant is not present in population databases (gnomAD no frequency). This sequence change replaces valine, which is neutral and non-polar, with leucine, which is neutral and non-polar, at codon 995 of the COL5A2 protein (p.Val995Leu). In summary, the available evidence is currently insufficient to determine the role of this variant in disease. Therefore, it has been classified as a Variant of Uncertain Significance. Advanced modeling of protein sequence and biophysical properties (such as structural, functional, and spatial information, amino acid conservation, physicochemical variation, residue mobility, and thermodynamic stability) performed at Invitae indicates that this missense variant is not expected to disrupt COL5A2 protein function.

NM_000393.5(COL5A2):c.2983G>C (p.Val995Leu)

Gene: COL5A2 (collagen type V alpha 2 chain; minus strand). Cytogenetic location: 2q32.2.
Variant type: single nucleotide variant.
Coding change: c.2983G>C on transcript NM_000393.5 (MANE Select); coding-DNA position 2983, G replaced by C.
Protein change: p.Val995Leu; replaces valine 995 with leucine.
Molecular consequence: missense variant.
Genome position (GRCh38, 1-based): chr2:189,050,625, C>G on the plus strand (G>C on the coding strand, the complement: COL5A2 is on the minus strand). VCF-style: chr2-189050625-C-G. GRCh37 (hg19) VCF-style: chr2-189915351-C-G.
Other names: short protein forms V995L.
Identifiers: ClinVar variation 1717486 (VCV001717486.6), dbSNP rs888930136, ClinGen allele CA349867063.